The following is an entry in ClinVar:

NM_000370.3(TTPA):c.353del (p.Arg118fs)

Gene: TTPA (alpha tocopherol transfer protein; minus strand). Cytogenetic location: 8q12.3.
Variant type: Deletion.
Coding change: c.353del on transcript NM_000370.3 (MANE Select); coding-DNA position 353, one base deleted (G; older notation c.353delG).
Protein change: p.Arg118fs; shifts the reading frame from arginine 118.
Molecular consequence: frameshift variant. On other transcripts: non-coding transcript variant (2), intron variant (2).
Genome position (GRCh38, 1-based): chr8:63,072,940, C deleted on the plus strand (G on the coding strand, the reverse complement: TTPA is on the minus strand). VCF-style (leftmost placement, unchanged base first): chr8-63072939-TC-T. GRCh37 (hg19) VCF-style: chr8-63985498-TC-T.
Other names: c.353del, p.Arg118fs (NM_001413415.1, NM_001413416.1, NM_001413418.1); c.205-11515del (NM_001413417.1); c.205-8624del (NM_001413414.1); short protein forms R118fs.
Identifiers: ClinVar variation 5012544 (VCV005012544.1).

ClinVar aggregate classification (germline): Pathogenic (1 of 4 stars; one submission).

Conditions:
Familial isolated deficiency of vitamin E (AVED). Also called: ATAXIA, FRIEDREICH-LIKE, WITH SELECTIVE VITAMIN E DEFICIENCY; Ataxia with isolated vitamin E deficiency. Identifiers: Orphanet 96, MedGen C1848533, MONDO:0010188, OMIM 277460.

Submission:

Myriad Genetics, Inc.
Classification: Pathogenic for Familial isolated deficiency of vitamin E. Last evaluated: 2023-12-06. Review status: criteria provided, single submitter. Criteria: Myriad Autosomal Dominant, Autosomal Recessive and X-Linked Classification Criteria (2023). Collection method: clinical testing. Allele origin: unknown.
Comment: NM_000370.3(TTPA):c.353delG(R118Kfs*18) is expected to be pathogenic in the context of ataxia with vitamin E deficiency. This variant is predicted to lead to an abnormal or absent protein product due to the creation of a premature termination codon in TTPA, a gene where loss-of-function variants are known to be pathogenic. Please note: this variant was assessed in the context of healthy population screening.